The following is an entry in ClinVar:

NM_001122659.3(EDNRB):c.688G>C (p.Val230Leu)

Genes: EDNRB-AS1 (EDNRB antisense RNA 1; plus strand), EDNRB (endothelin receptor type B; minus strand). Cytogenetic location: 13q22.3.
Variant type: single nucleotide variant.
Coding change: c.688G>C on transcript NM_001122659.3 (MANE Select); coding-DNA position 688, G replaced by C.
Protein change: p.Val230Leu; replaces valine 230 with leucine.
Molecular consequence: missense variant.
Genome position (GRCh38, 1-based): chr13:77,903,269, C>G on the plus strand (G>C on the coding strand, the complement: EDNRB is on the minus strand). VCF-style: chr13-77903269-C-G. GRCh37 (hg19) VCF-style: chr13-78477404-C-G.
Other names: c.688G>C, p.Val230Leu (NM_000115.5, NM_003991.4); c.958G>C, p.Val320Leu (NM_001201397.2); short protein forms V230L, V320L.
Identifiers: ClinVar variation 2585621 (VCV002585621.1), dbSNP rs2501547086, ClinGen allele CA388450839.
Genomic context (GRCh38, chr13:77,903,269, plus strand): 5'-TTCCTTTGTAGTCCATCGTAATTATATCAAAACCTATGGCTTCAGGGACAGCCAGAACCA[C>G]AGAGACCACCCAAATCAAAACAATTTCTACTGCTGTCCATTTTGGAACCCCAATTCCTTT-3'
Protein context (NP_001116131.1, residues 220-240): VEIVLIWVVS[Val230Leu]VLAVPEAIGF

ClinVar aggregate classification (germline): Uncertain significance (1 of 4 stars; one submission).

Conditions:
Waardenburg syndrome type 4A (WS4A). Also called: WAARDENBURG SYNDROME WITH HIRSCHSPRUNG DISEASE, TYPE 4A. Identifiers: Orphanet 897, MedGen C1848519, MONDO:0010192, OMIM 277580.

Submission:

Neuberg Centre For Genomic Medicine, NCGM
Classification: Uncertain significance for Waardenburg syndrome type 4A. Review status: criteria provided, single submitter. Criteria: ACMG Guidelines, 2015. Collection method: clinical testing. Allele origin: germline. Inheritance: Autosomal dominant inheritance. Affected: yes.
Comment: The missense variant c.688G>C (p.Val230Leu) in EDNRB gene has not been reported previously as a pathogenic variant nor as a benign variant, to our knowledge. The p.Val230Leu variant is novel (not in any individuals) in gnomAD exomes and 1000 Genomes. The amino acid Val at position 230 is changed to a Leu changing protein sequence and it might alter its composition and physico-chemical properties. For these reasons, this variant has been classified as Uncertain Significance (VUS).